The following is an entry in ClinVar:

ClinVar aggregate classification (germline): Pathogenic (1 of 4 stars; one submission).

Conditions:
X-linked lymphoproliferative disease due to XIAP deficiency. Also called: XIAP-Related Lymphoproliferative Disease, X-Linked; XIAP DEFICIENCY. Identifiers: Orphanet 2442, Orphanet 538934, MedGen C1845076, MONDO:0010385, OMIM 300635.

Submission:

Labcorp Genetics (formerly Invitae), Labcorp
Classification: Pathogenic for X-linked lymphoproliferative disease due to XIAP deficiency. Last evaluated: 2020-01-13. Review status: criteria provided, single submitter. Criteria: Invitae Variant Classification Sherloc (09022015). Collection method: clinical testing. Allele origin: unknown.
Comment: For these reasons, this variant has been classified as Pathogenic. Loss-of-function variants in XIAP are known to be pathogenic (PMID: 17080092, 21119115, 25666262). A deletion of exons 2-3 has been observed in an individual with clinical features of XIAP deficiency (PMID: 27815752). This variant (c.-32-8615_978-2del) is a gross deletion of the genomic region encompassing exons 2-3 of the XIAP gene, which includes the initiator codon. The 5' end of this event is confined to intron 1 and the 3' boundary is confined to intron 3 of the XIAP gene. This is expected to result in an absent or disrupted protein product.

Literature cited by the submitters: PubMed 17080092; PubMed 21119115; PubMed 25666262; PubMed 27815752.

NC_000023.10:g.(?_123010866)_(123025086_?)del

Gene: XIAP (X-linked inhibitor of apoptosis; plus strand). Cytogenetic location: Xq25.
Variant type: Deletion.
Identifiers: ClinVar variation 3244551 (VCV003244551.1).